The following is an entry in ClinVar:

NM_001958.5(EEF1A2):c.621+9C>T

Gene: EEF1A2 (eukaryotic translation elongation factor 1 alpha 2; minus strand). Cytogenetic location: 20q13.33.
Variant type: single nucleotide variant.
Coding change: c.621+9C>T on transcript NM_001958.5 (MANE Select); 9 bases into the intron after coding-DNA position 621, C replaced by T.
Molecular consequence: intron variant.
Genome position (GRCh38, 1-based): chr20:63,494,796, G>A on the plus strand (C>T on the coding strand, the complement: EEF1A2 is on the minus strand). VCF-style: chr20-63494796-G-A. GRCh37 (hg19) VCF-style: chr20-62126149-G-A.
Identifiers: ClinVar variation 387579 (VCV000387579.13), dbSNP rs758255976, ClinGen allele CA9959067.
Genomic context (GRCh38, chr20:63,494,796, plus strand): 5'-CGGTGCCTCGCTCTGGGCCAGGGGGTCCAGCCAGCTCCCGTGGCCCGCCCCGCCCTAGCC[G>A]CCACTCACGTTGGGGGAGGGCTCCAGCATGTTGTCACCGTGCCAGCCGGAGATGGGCACA-3'

ClinVar aggregate classification (germline): Likely benign. Review status: criteria provided, multiple submitters, no conflicts (2 of 4 stars). 3 submissions from 3 submitters: Likely benign (3). Last evaluated 2026-01-26.

Conditions:
Developmental and epileptic encephalopathy, 33 (DEE33). Also called: Epileptic encephalopathy, early infantile, 33. Identifiers: Orphanet 442835, MedGen C4225337, MONDO:0014625, OMIM 616409.

Allele frequency attached by ClinVar (database versions not stated): TOPMed 0.00003; ExAC 0.00004; gnomAD 0.00005; gnomAD exomes 0.00005.
gnomAD v4.1: 83 of 1,605,158 alleles (0.0052%); highest among the groups gnomAD compares: Admixed American, 0.012%; no homozygotes.

Submissions (3):

Labcorp Genetics (formerly Invitae), Labcorp
Classification: Likely benign for Developmental and epileptic encephalopathy, 33. Last evaluated: 2026-01-26. Review status: criteria provided, single submitter. Criteria: Invitae Variant Classification Sherloc (09022015). Collection method: clinical testing. Allele origin: germline.

Blueprint Genetics
Classification: Likely benign. Last evaluated: 2024-07-16. Review status: criteria provided, single submitter. Criteria: ACMG Guidelines, 2015. Collection method: clinical testing. Allele origin: germline.

GeneDx
Classification: Likely benign. Last evaluated: 2016-07-12. Review status: criteria provided, single submitter. Criteria: GeneDx Variant Classification (06012015). Collection method: clinical testing. Allele origin: germline. Affected: yes.
Comment: This variant is considered likely benign or benign based on one or more of the following criteria: it is a conservative change, it occurs at a poorly conserved position in the protein, it is predicted to be benign by multiple in silico algorithms, and/or has population frequency not consistent with disease.